The following is an entry in ClinVar:

NM_001145026.2(PTPRQ):c.4481C>T (p.Ala1494Val)

Gene: PTPRQ (protein tyrosine phosphatase receptor type Q; plus strand). Cytogenetic location: 12q21.31.
Variant type: single nucleotide variant.
Coding change: c.4481C>T on transcript NM_001145026.2 (MANE Select); coding-DNA position 4481, C replaced by T.
Protein change: p.Ala1494Val; replaces alanine 1494 with valine.
Molecular consequence: missense variant.
Genome position (GRCh38, 1-based): chr12:80,588,324, C>T. VCF-style: chr12-80588324-C-T. GRCh37 (hg19) VCF-style: chr12-80982103-C-T.
Other names: short protein forms A1494V.
Identifiers: ClinVar variation 2632049 (VCV002632049.2), dbSNP rs1369910820, ClinGen allele CA385937802.

ClinVar aggregate classification (germline): Uncertain significance. Review status: criteria provided, multiple submitters, no conflicts (2 of 4 stars). 2 submissions from 2 submitters: Uncertain significance (2). Last evaluated 2024-09-16.

Conditions:
PTPRQ-related disorder. Also called: PTPRQ-related condition.

Allele frequency attached by ClinVar (database versions not stated): TOPMed 0.00001; gnomAD 0.00002.
gnomAD v4.1: 16 of 1,551,352 alleles (0.001%); highest among the groups gnomAD compares: Middle Eastern, 0.017%; no homozygotes.

Submissions (2):

Blueprint Genetics
Classification: Uncertain significance. Last evaluated: 2024-09-16. Review status: criteria provided, single submitter. Criteria: ACMG Guidelines, 2015. Collection method: clinical testing. Allele origin: germline.

PreventionGenetics, part of Exact Sciences
Classification: Uncertain significance for PTPRQ-related condition. Last evaluated: 2023-04-20. Review status: criteria provided, single submitter. Criteria: ACMG Guidelines, 2015. Collection method: clinical testing. Allele origin: germline.
Comment: The PTPRQ c.4481C>T variant is predicted to result in the amino acid substitution p.Ala1494Val. To our knowledge, this variant has not been reported in the literature or in a large population database, indicating this variant is rare. At this time, the clinical significance of this variant is uncertain due to the absence of conclusive functional and genetic evidence.